The following is an entry in ClinVar:

NM_001370100.5(ZMYND11):c.447GAA[2] (p.Lys151del)

Gene: ZMYND11 (zinc finger MYND-type containing 11; plus strand). Cytogenetic location: 10p15.3.
Variant type: Microsatellite.
Coding change: c.447GAA[2] on transcript NM_001370100.5 (MANE Select); two copies in a row of the 3-base unit GAA starting at c.447; the reference has three copies in a row; one copy, 3 bases deleted.
Protein change: p.Lys151del; deletes lysine 151.
Molecular consequence: inframe deletion. On other transcripts: inframe indel (1), 5 prime UTR variant (1), non-coding transcript variant (1).
Genome position (GRCh38, 1-based): chr10:236,852-236,854, GAA deleted; deleting any 3 consecutive bases within chr10:236,844-236,854 gives the same sequence; the position shown is the placement nearest the transcript's 3' end. VCF-style (leftmost placement, unchanged base first): chr10-236843-TAAG-T. GRCh37 (hg19) VCF-style: chr10-282783-TAAG-T.
Other names: c.285GAA[2], p.Lys97del (NM_001202465.3, NM_001202466.3, NM_001202467.1 and 11 more transcripts); c.447GAA[2], p.Lys151del (NM_001202468.1, NM_001370097.3, NM_001370098.2 and 10 more transcripts); c.396GAA[2], p.Lys134del (NM_001330057.3, NM_001370112.2); c.381GAA[2], p.Lys129del (NM_001370116.2); c.327GAA[2], p.Lys111del (NM_001370118.2); c.453_455del (NM_006624.5); c.447_449GAA[2], p.Lys151del (NM_001161482.1); c.219GAA[2], p.Lys75del (NM_001370120.2); and 3 more; short protein forms K134del, K151del, K57del, K97del, K111del, K129del, K80del, K75del.
Identifiers: ClinVar variation 2195511 (VCV002195511.5), dbSNP rs755249307, ClinGen allele CA5378921.
Genomic context (GRCh38, chr10:236,843, plus strand): 5'-TAGACATAAGAATGATCAGATTTTGTACCTTTTTTTATTCTTTTTTTTTCAATAGAGCAT[TAAG>T]AAGAAGAATACAAACAAACAGGAGATGGGCACATACCTCAGATTCATTGTCTCCCGCATG-3'

ClinVar aggregate classification (germline): Uncertain significance. Review status: criteria provided, multiple submitters, no conflicts (2 of 4 stars). 2 submissions from 2 submitters: Uncertain significance (2). Last evaluated 2024-11-04.

Conditions:
Intellectual developmental disorder, autosomal dominant 30, with speech delay and behavioral abnormalities. Also called: Intellectual disability, autosomal dominant 30. Identifiers: Orphanet 436151, MedGen C4015167, MONDO:0014486, OMIM 616083.

Submissions (2):

Revvity Omics, Revvity
Classification: Uncertain significance for Intellectual developmental disorder, autosomal dominant 30, with speech delay and behavioral abnormalities. Last evaluated: 2024-11-04. Review status: criteria provided, single submitter. Criteria: ACMG Guidelines, 2015. Collection method: clinical testing. Allele origin: germline.

Labcorp Genetics (formerly Invitae), Labcorp
Classification: Uncertain significance. Last evaluated: 2024-05-06. Review status: criteria provided, single submitter. Criteria: Invitae Variant Classification Sherloc (09022015). Collection method: clinical testing. Allele origin: germline.
Comment: This variant, c.453_455del, results in the deletion of 1 amino acid(s) of the ZMYND11 protein (p.Lys151del), but otherwise preserves the integrity of the reading frame. This variant is present in population databases (rs755249307, gnomAD 0.006%). This variant has not been reported in the literature in individuals affected with ZMYND11-related conditions. Experimental studies and prediction algorithms are not available or were not evaluated, and the functional significance of this variant is currently unknown. In summary, the available evidence is currently insufficient to determine the role of this variant in disease. Therefore, it has been classified as a Variant of Uncertain Significance.